The following is an entry in ClinVar:

NM_001267550.2(TTN):c.41885-3_41885del

Gene: TTN (titin; minus strand). Cytogenetic location: 2q31.2.
Variant type: Deletion.
Coding change: c.41885-3_41885del on transcript NM_001267550.2 (MANE Select); 3 bases into the intron before coding-DNA position 41885 through coding-DNA position 41885, 4 bases deleted (CAGA; older notation c.41885-3_41885delCAGA).
Molecular consequence: splice acceptor variant.
Genome position (GRCh38, 1-based): chr2:178,635,304-178,635,307, TCTG deleted on the plus strand (CAGA on the coding strand, the reverse complement: TTN is on the minus strand); deleting any 4 consecutive bases within chr2:178,635,304-178,635,308 gives the same sequence; the c. name uses the placement nearest the transcript's 3' end. VCF-style (leftmost placement, unchanged base first): chr2-178635303-CTCTG-C. GRCh37 (hg19) VCF-style: chr2-179500030-CTCTG-C.
Other names: c.14690-3_14690del (NM_003319.4); c.15266-3_15266del (NM_133437.4); c.15065-3_15065del (NM_133432.3); c.34181-3_34181del (NM_133378.4); c.36962-3_36962del (NM_001256850.1).
Identifiers: ClinVar variation 1462333 (VCV001462333.6), dbSNP rs2154229192, ClinGen allele CA2573133780.

ClinVar aggregate classification (germline): Likely pathogenic (1 of 4 stars; one submission).

Conditions:
Dilated cardiomyopathy 1G (CMD1G). Identifiers: Orphanet 154, MedGen C1858763, MONDO:0011400, OMIM 604145.
Autosomal recessive limb-girdle muscular dystrophy type 2J (LGMDR10). Also called: Limb-girdle muscular dystrophy, type 2J; MUSCULAR DYSTROPHY, LIMB-GIRDLE, AUTOSOMAL RECESSIVE 10. Identifiers: Orphanet 140922, MedGen C1837342, MONDO:0012127, OMIM 608807.

Submission:

Labcorp Genetics (formerly Invitae), Labcorp
Classification: Likely pathogenic for Dilated cardiomyopathy 1G; Autosomal recessive limb-girdle muscular dystrophy type 2J. Last evaluated: 2024-04-29. Review status: criteria provided, single submitter. Criteria: Invitae Variant Classification Sherloc (09022015). Collection method: clinical testing. Allele origin: germline.
Comment: This sequence change affects a splice site in intron 227 of the TTN gene. It is expected to disrupt RNA splicing and likely results in a truncated or disrupted TTN protein. This variant is not present in population databases (gnomAD no frequency). This variant has not been observed in the literature in individuals with autosomal recessive TTN-related conditions. This variant has been reported in individual(s) with clinical features of dilated cardiomyopathy (Invitae); however, the role of the variant in this condition is currently unclear. ClinVar contains an entry for this variant (Variation ID: 1462333). Algorithms developed to predict the effect of sequence changes on RNA splicing suggest that this variant may disrupt the consensus splice site. This variant is located in the I band of TTN (PMID: 25589632). Truncating variants in this region have been reported in individuals affected with autosomal recessive centronuclear myopathy (PMID: 23975875, Invitae internal data). Truncating variants in this region have also been identified in individuals affected with autosomal dominant dilated cardiomyopathy and/or cardio-related conditions (PMID: 27869827, 32964742, Invitae internal data). In summary, the currently available evidence indicates that the variant is pathogenic, but additional data are needed to prove that conclusively. Therefore, this variant has been classified as Likely Pathogenic.

Literature cited by the submitters: PubMed 25589632; PubMed 23975875; PubMed 27869827; PubMed 32964742.